The following is an entry in ClinVar:

ClinVar aggregate classification (germline): Uncertain significance (1 of 4 stars; one submission).

Conditions:
Ehlers-Danlos syndrome, dermatosparaxis type. Also called: EDS VIIC; Ehlers-Danlos syndrome, type VII, autosomal recessive; Dermatosparaxis. Identifiers: Orphanet 1901, MedGen C2700425, MONDO:0009161, OMIM 225410.

Submission:

Labcorp Genetics (formerly Invitae), Labcorp
Classification: Uncertain significance for Ehlers-Danlos syndrome, dermatosparaxis type. Last evaluated: 2020-10-20. Review status: criteria provided, single submitter. Criteria: Invitae Variant Classification Sherloc (09022015). Collection method: clinical testing. Allele origin: germline.
Comment: This variant results in a copy number gain of the genomic region encompassing exon(s) 1-3 of the ADAMTS2 gene. This region includes the initiator codon of the gene. The 5' end of this event is unknown as it extends beyond the assayed region for this gene and therefore may encompass additional genes. The 3' boundary is likely confined to intron 3 of the ADAMTS2 gene. As the precise location of this event is unknown, it may be in tandem or it may be located elsewhere in the genome. This variant has not been reported in the literature in individuals with ADAMTS2-related conditions. Experimental studies and prediction algorithms are not available or were not evaluated, and the functional significance of this variant is currently unknown. In summary, the available evidence is currently insufficient to determine the role of this variant in disease. Therefore, it has been classified as a Variant of Uncertain Significance.

NC_000005.9:g.(?_178699902)_(179263603_?)dup

Genes: ADAMTS2 (ADAM metallopeptidase with thrombospondin type 1 motif 2; minus strand), CANX (calnexin; plus strand), CBY3 (chibby family member 3; minus strand), HNRNPH1 (heterogeneous nuclear ribonucleoprotein H1; minus strand), LTC4S (leukotriene C4 synthase; plus strand) and 5 more. Cytogenetic location: 5q35.3.
Variant type: Duplication.
Identifiers: ClinVar variation 1042381 (VCV001042381.2).